The following is an entry in ClinVar:

NM_001354768.3(NRL):c.691G>A (p.Asp231Asn)

Genes: NRL (neural retina leucine zipper; minus strand), LOC130055387 (ATAC-STARR-seq lymphoblastoid silent region 5620; plus strand). Cytogenetic location: 14q11.2.
Variant type: single nucleotide variant.
Coding change: c.691G>A on transcript NM_001354768.3 (MANE Select); coding-DNA position 691, G replaced by A.
Protein change: p.Asp231Asn; replaces aspartic acid 231 with asparagine.
Molecular consequence: missense variant.
Genome position (GRCh38, 1-based): chr14:24,081,259, C>T on the plus strand (G>A on the coding strand, the complement: NRL is on the minus strand). VCF-style: chr14-24081259-C-T. GRCh37 (hg19) VCF-style: chr14-24550468-C-T.
Other names: c.376G>A, p.Asp126Asn (NM_001354770.2); c.691G>A, p.Asp231Asn (NM_006177.5, NM_001354769.1); c.691G>A (NM_006177.3); short protein forms D231N, D126N.
Identifiers: ClinVar variation 1488193 (VCV001488193.10), dbSNP rs754996626, ClinGen allele CA7122812.

ClinVar aggregate classification (germline): Uncertain significance. Review status: criteria provided, multiple submitters, no conflicts (2 of 4 stars). 3 submissions from 3 submitters: Uncertain significance (3). Last evaluated 2024-05-15.

Conditions:
Inborn genetic diseases. Identifiers: MedGen C0950123, MeSH D030342.

Allele frequency attached by ClinVar (database versions not stated): gnomAD 0.00002; TOPMed 0.00002; gnomAD exomes 0.00003 and 0.00004; ExAC 0.00007.
gnomAD v4.1: 53 of 1,504,906 alleles (0.0035%); highest among the groups gnomAD compares: Non-Finnish European, 0.0045%; no homozygotes.

Submissions (3):

Ambry Genetics
Classification: Uncertain significance for Inborn genetic diseases. Last evaluated: 2024-05-15. Review status: criteria provided, single submitter. Criteria: Ambry Variant Classification Scheme 2023. Collection method: clinical testing. Allele origin: germline.

Blueprint Genetics
Classification: Uncertain significance. Last evaluated: 2024-03-13. Review status: criteria provided, single submitter. Criteria: ACMG Guidelines, 2015. Collection method: clinical testing. Allele origin: germline.

Labcorp Genetics (formerly Invitae), Labcorp
Classification: Uncertain significance. Last evaluated: 2022-01-06. Review status: criteria provided, single submitter. Criteria: Invitae Variant Classification Sherloc (09022015). Collection method: clinical testing. Allele origin: germline.
Comment: In summary, the available evidence is currently insufficient to determine the role of this variant in disease. Therefore, it has been classified as a Variant of Uncertain Significance. Algorithms developed to predict the effect of missense changes on protein structure and function are either unavailable or do not agree on the potential impact of this missense change (SIFT: "Tolerated"; PolyPhen-2: "Possibly Damaging"; Align-GVGD: "Class C0"). This variant has not been reported in the literature in individuals affected with NRL-related conditions. This variant is present in population databases (rs754996626, gnomAD 0.007%). This sequence change replaces aspartic acid, which is acidic and polar, with asparagine, which is neutral and polar, at codon 231 of the NRL protein (p.Asp231Asn).